The following is an entry in ClinVar:

ClinVar aggregate classification (germline): Uncertain significance (1 of 4 stars; one submission).

Submission:

Labcorp Genetics (formerly Invitae), Labcorp
Classification: Uncertain significance. Last evaluated: 2022-11-22. Review status: criteria provided, single submitter. Criteria: Invitae Variant Classification Sherloc (09022015). Collection method: clinical testing. Allele origin: germline.
Comment: In summary, the available evidence is currently insufficient to determine the role of this variant in disease. Therefore, it has been classified as a Variant of Uncertain Significance. Advanced modeling of protein sequence and biophysical properties (such as structural, functional, and spatial information, amino acid conservation, physicochemical variation, residue mobility, and thermodynamic stability) performed at Invitae indicates that this missense variant is not expected to disrupt SEPT9 protein function. This variant has not been reported in the literature in individuals affected with SEPT9-related conditions. This variant is not present in population databases (gnomAD no frequency). This sequence change replaces lysine, which is basic and polar, with arginine, which is basic and polar, at codon 168 of the SEPT9 protein (p.Lys168Arg).

NM_001113491.2(SEPTIN9):c.557A>G (p.Lys186Arg)

Gene: SEPTIN9 (septin 9; plus strand). Cytogenetic location: 17q25.3.
Variant type: single nucleotide variant.
Coding change: c.557A>G on transcript NM_001113491.2 (MANE Select); coding-DNA position 557, A replaced by G.
Protein change: p.Lys186Arg; replaces lysine 186 with arginine.
Molecular consequence: missense variant.
Genome position (GRCh38, 1-based): chr17:77,402,539, A>G. VCF-style: chr17-77402539-A-G. GRCh37 (hg19) VCF-style: chr17-75398621-A-G.
Other names: c.65A>G, p.Lys22Arg (NM_001113492.2, NM_001113494.1); c.536A>G, p.Lys179Arg (NM_001113493.2); c.500A>G, p.Lys167Arg (NM_001293695.2); c.503A>G, p.Lys168Arg (NM_006640.5); short protein forms K167R, K168R, K179R, K186R, K22R.
Identifiers: ClinVar variation 1682613 (VCV001682613.5), dbSNP rs1212564510, ClinGen allele CA401206398.